The following is an entry in ClinVar:

NM_001128840.3(CACNA1D):c.2221+14C>T

Gene: CACNA1D (calcium voltage-gated channel subunit alpha1 D; plus strand). Cytogenetic location: 3p21.1.
Variant type: single nucleotide variant.
Coding change: c.2221+14C>T on transcript NM_001128840.3 (MANE Select); 14 bases into the intron after coding-DNA position 2221, C replaced by T.
Molecular consequence: intron variant.
Genome position (GRCh38, 1-based): chr3:53,727,013, C>T. VCF-style: chr3-53727013-C-T. GRCh37 (hg19) VCF-style: chr3-53761040-C-T.
Other names: c.2221+14C>T (NM_001128839.3); c.2281+14C>T (NM_000720.4).
Identifiers: ClinVar variation 504767 (VCV000504767.9), dbSNP rs373186365, ClinGen allele CA2454162.

ClinVar aggregate classification (germline): Likely benign. Review status: criteria provided, multiple submitters, no conflicts (2 of 4 stars). 3 submissions from 3 submitters: Likely benign (3). Last evaluated 2025-04-28.

Allele frequency attached by ClinVar (database versions not stated): ExAC 0.00001; gnomAD exomes 0.00001; gnomAD 0.00003 and 0.00004; TOPMed 0.00003; ESP Exome Variant Server 0.00015.
gnomAD v4.1: 23 of 1,613,946 alleles (0.0014%); highest among the groups gnomAD compares: Admixed American, 0.005%; no homozygotes.

Submissions (3):

ARUP Laboratories, Molecular Genetics and Genomics, ARUP Laboratories
Classification: Likely benign. Last evaluated: 2025-04-28. Review status: criteria provided, single submitter. Criteria: ARUP Molecular Germline Variant Investigation Process 2024. Collection method: clinical testing. Allele origin: germline.

Labcorp Genetics (formerly Invitae), Labcorp
Classification: Likely benign. Last evaluated: 2022-09-13. Review status: criteria provided, single submitter. Criteria: Invitae Variant Classification Sherloc (09022015). Collection method: clinical testing. Allele origin: germline.

Laboratory for Molecular Medicine, Mass General Brigham Personalized Medicine
Classification: Likely benign. Last evaluated: 2016-10-27. Review status: criteria provided, single submitter. Criteria: LMM Criteria. Collection method: clinical testing. Allele origin: germline. Observed: 1 variant allele.
Comment: c.2281+14C>T in intron 16 of CACNA1D: This variant is not expected to have clini cal significance because it is not located within the conserved splice consensus sequence. It has been identified in 1/66740 European chromosomes by the Exome A ggregation Consortium (ExAC; dbSNP rs373186365).